The following is an entry in ClinVar:

ClinVar aggregate classification (germline): Likely benign. Review status: criteria provided, multiple submitters, no conflicts (2 of 4 stars). 3 submissions from 3 submitters: Likely benign (3). Last evaluated 2025-12-04.

Conditions:
TRPM1-related disorder. Also called: TRPM1-related condition.

Allele frequency attached by ClinVar (database versions not stated): gnomAD exomes below 0.00001 and 0.00001; ExAC 0.00001; gnomAD 0.00001.
gnomAD v4.1: 18 of 1,614,032 alleles (0.0011%); highest among the groups gnomAD compares: Admixed American, 0.0017%; no homozygotes.

Submissions (3):

PreventionGenetics, part of Exact Sciences
Classification: Likely benign for TRPM1-related condition. Last evaluated: 2025-12-04. Review status: criteria provided, single submitter. Criteria: ACMG Guidelines, 2015. Collection method: clinical testing. Allele origin: germline.
Comment: This variant is classified as likely benign based on ACMG/AMP sequence variant interpretation guidelines (Richards et al. 2015 PMID: 25741868, with internal and published modifications).

Labcorp Genetics (formerly Invitae), Labcorp
Classification: Likely benign. Last evaluated: 2025-09-30. Review status: criteria provided, single submitter. Criteria: Invitae Variant Classification Sherloc (09022015). Collection method: clinical testing. Allele origin: germline.

Blueprint Genetics
Classification: Likely benign. Last evaluated: 2023-11-01. Review status: criteria provided, single submitter. Criteria: ACMG Guidelines, 2015. Collection method: clinical testing. Allele origin: germline.

NM_001252024.2(TRPM1):c.423C>G (p.Val141=)

Gene: TRPM1 (transient receptor potential cation channel subfamily M member 1; minus strand). Cytogenetic location: 15q13.3.
Variant type: single nucleotide variant.
Coding change: c.423C>G on transcript NM_001252024.2 (MANE Select); coding-DNA position 423, C replaced by G.
Protein change: p.Val141=; no amino-acid change (valine 141 retained).
Molecular consequence: synonymous variant.
Genome position (GRCh38, 1-based): chr15:31,067,949, G>C on the plus strand (C>G on the coding strand, the complement: TRPM1 is on the minus strand). VCF-style: chr15-31067949-G-C. GRCh37 (hg19) VCF-style: chr15-31360152-G-C.
Other names: c.474C>G, p.Val158= (NM_001252020.2); c.357C>G, p.Val119= (NM_002420.6); c.474C>G (NM_001252020.1).
Identifiers: ClinVar variation 1645727 (VCV001645727.10), dbSNP rs776625654, ClinGen allele CA7452960.